The following is an entry in ClinVar:

NM_004525.3(LRP2):c.10633C>A (p.Leu3545Met)

Gene: LRP2 (LDL receptor related protein 2; minus strand). Cytogenetic location: 2q31.1.
Variant type: single nucleotide variant.
Coding change: c.10633C>A on transcript NM_004525.3 (MANE Select); coding-DNA position 10633, C replaced by A.
Protein change: p.Leu3545Met; replaces leucine 3545 with methionine.
Molecular consequence: missense variant.
Genome position (GRCh38, 1-based): chr2:169,175,328, G>T on the plus strand (C>A on the coding strand, the complement: LRP2 is on the minus strand). VCF-style: chr2-169175328-G-T. GRCh37 (hg19) VCF-style: chr2-170031838-G-T.
Other names: c.10633C>A (NM_004525.2); short protein forms L3545M.
Identifiers: ClinVar variation 1376085 (VCV001376085.9), dbSNP rs150920674, ClinGen allele CA1953290.

ClinVar aggregate classification (germline): Uncertain significance. Review status: criteria provided, multiple submitters, no conflicts (2 of 4 stars). 4 submissions from 4 submitters: Uncertain significance (4). Last evaluated 2024-02-12.

Conditions:
Donnai-Barrow syndrome. Also called: DBS/FOAR SYNDROME; FACIOOCULOACOUSTICORENAL SYNDROME. Identifiers: Orphanet 2143, MedGen C1857277, MONDO:0009104, OMIM 222448.
Inborn genetic diseases. Identifiers: MedGen C0950123, MeSH D030342.

Allele frequency attached by ClinVar (database versions not stated): ExAC 0.00001; gnomAD exomes 0.00002; TOPMed 0.00011; gnomAD 0.00013 and 0.00014; ESP Exome Variant Server 0.00015.
gnomAD v4.1: 30 of 1,614,092 alleles (0.0019%); highest among the groups gnomAD compares: African/African-American, 0.037%; no homozygotes.

Submissions (4):

Fulgent Genetics
Classification: Uncertain significance for Donnai-Barrow syndrome. Last evaluated: 2024-02-12. Review status: criteria provided, single submitter. Criteria: ACMG Guidelines, 2015. Collection method: clinical testing. Allele origin: germline.

Labcorp Genetics (formerly Invitae), Labcorp
Classification: Uncertain significance. Last evaluated: 2022-11-01. Review status: criteria provided, single submitter. Criteria: Invitae Variant Classification Sherloc (09022015). Collection method: clinical testing. Allele origin: germline.
Comment: This sequence change replaces leucine, which is neutral and non-polar, with methionine, which is neutral and non-polar, at codon 3545 of the LRP2 protein (p.Leu3545Met). This variant is present in population databases (rs150920674, gnomAD 0.04%). This variant has not been reported in the literature in individuals affected with LRP2-related conditions. ClinVar contains an entry for this variant (Variation ID: 1376085). Advanced modeling of protein sequence and biophysical properties (such as structural, functional, and spatial information, amino acid conservation, physicochemical variation, residue mobility, and thermodynamic stability) performed at Invitae indicates that this missense variant is not expected to disrupt LRP2 protein function. In summary, the available evidence is currently insufficient to determine the role of this variant in disease. Therefore, it has been classified as a Variant of Uncertain Significance.

Ambry Genetics
Classification: Uncertain significance for Inborn genetic diseases. Last evaluated: 2021-06-17. Review status: criteria provided, single submitter. Criteria: Ambry Variant Classification Scheme 2023. Collection method: clinical testing. Allele origin: germline.

Breakthrough Genomics
Classification: Uncertain significance. Review status: criteria provided, single submitter. Criteria: ACMG Guidelines, 2015. Collection method: not provided. Allele origin: germline. Inheritance: Autosomal recessive inheritance. Affected: yes.